The following is an entry in ClinVar:

NC_000002.11:g.(?_227917001)_(227924979_?)del

Gene: COL4A4 (collagen type IV alpha 4 chain; minus strand). Cytogenetic location: 2q36.3.
Variant type: Deletion.
Identifiers: ClinVar variation 1503450 (VCV001503450.6).

ClinVar aggregate classification (germline): Likely pathogenic (1 of 4 stars; one submission).

Submission:

Labcorp Genetics (formerly Invitae), Labcorp
Classification: Likely pathogenic. Last evaluated: 2021-02-03. Review status: criteria provided, single submitter. Criteria: Invitae Variant Classification Sherloc (09022015). Collection method: clinical testing. Allele origin: germline.
Comment: In summary, the currently available evidence indicates that the variant is pathogenic, but additional data are needed to prove that conclusively. Therefore, this variant has been classified as Likely Pathogenic. This variant disrupts the p.Gly918 amino acid residue in COL4A4. Other variant(s) that disrupt this residue have been determined to be pathogenic (PMID: 24033287, Invitae). This suggests that this residue is clinically significant, and that variants that disrupt this residue are likely to be disease-causing. This variant has not been reported in the literature in individuals with COL4A4-related conditions. This variant is a gross deletion of the genomic region encompassing exon(s) 27-32 of the COL4A4 gene. This variant would be expected to be in-frame, preserving the integrity of the reading frame.

Literature cited by the submitters: PubMed 24033287.